The following is an entry in ClinVar:

NM_001142800.2(EYS):c.1897C>T (p.Gln633Ter)

Gene: EYS (EGF-like photoreceptor maintenance factor; minus strand). Cytogenetic location: 6q12.
Variant type: single nucleotide variant.
Coding change: c.1897C>T on transcript NM_001142800.2 (MANE Select); coding-DNA position 1897, C replaced by T.
Protein change: p.Gln633Ter; replaces glutamine 633 with a stop codon.
Molecular consequence: nonsense.
Genome position (GRCh38, 1-based): chr6:65,295,989, G>A on the plus strand (C>T on the coding strand, the complement: EYS is on the minus strand). VCF-style: chr6-65295989-G-A. GRCh37 (hg19) VCF-style: chr6-66005882-G-A.
Other names: c.1897C>T, p.Gln633Ter (NM_001292009.2); short protein forms Q633*.
Identifiers: ClinVar variation 5013320 (VCV005013320.1).

ClinVar aggregate classification (germline): Pathogenic (1 of 4 stars; one submission).

Conditions:
Retinitis pigmentosa 25 (RP25). Identifiers: Orphanet 791, MedGen C1864446, MONDO:0011272, OMIM 602772.

Submission:

Myriad Genetics, Inc.
Classification: Pathogenic for Retinitis pigmentosa 25. Last evaluated: 2024-07-17. Review status: criteria provided, single submitter. Criteria: Myriad Autosomal Dominant, Autosomal Recessive and X-Linked Classification Criteria (2023). Collection method: clinical testing. Allele origin: unknown.
Comment: NM_001142800.1(EYS):c.1897C>T(Q633*) is expected to be pathogenic in the context of retinitis pigmentosa, EYS-related. This variant is predicted to lead to an abnormal or absent protein product due to the creation of a premature termination codon in EYS, a gene where loss-of-function variants are known to be pathogenic. Please note: this variant was assessed in the context of healthy population screening.